The following is an entry in ClinVar:

NM_005911.6(MAT2A):c.25C>T (p.His9Tyr)

Gene: MAT2A (methionine adenosyltransferase 2A; plus strand). Cytogenetic location: 2p11.2.
Variant type: single nucleotide variant.
Coding change: c.25C>T on transcript NM_005911.6 (MANE Select); coding-DNA position 25, C replaced by T.
Protein change: p.His9Tyr; replaces histidine 9 with tyrosine.
Molecular consequence: missense variant.
Genome position (GRCh38, 1-based): chr2:85,539,312, C>T. VCF-style: chr2-85539312-C-T. GRCh37 (hg19) VCF-style: chr2-85766435-C-T.
Other names: short protein forms H9Y.
Identifiers: ClinVar variation 1400086 (VCV001400086.6), dbSNP rs909244613, ClinGen allele CA51722016.

ClinVar aggregate classification (germline): Uncertain significance (1 of 4 stars; one submission).

Conditions:
Familial thoracic aortic aneurysm and aortic dissection (TAAD). Also called: Thoracic aortic aneurysms and dissections. Identifiers: Orphanet 91387, MedGen C4707243, MONDO:0019625.

Allele frequency attached by ClinVar (database versions not stated): gnomAD exomes below 0.00001; gnomAD 0.00001; TOPMed 0.00002.
gnomAD v4.1: 5 of 1,605,890 alleles (0.00031%); highest among the groups gnomAD compares: Non-Finnish European, 0.00042%; no homozygotes.

Submission:

Labcorp Genetics (formerly Invitae), Labcorp
Classification: Uncertain significance for Familial thoracic aortic aneurysm and aortic dissection. Last evaluated: 2024-12-10. Review status: criteria provided, single submitter. Criteria: Invitae Variant Classification Sherloc (09022015). Collection method: clinical testing. Allele origin: germline.
Comment: This sequence change replaces histidine, which is basic and polar, with tyrosine, which is neutral and polar, at codon 9 of the MAT2A protein (p.His9Tyr). This variant is not present in population databases (gnomAD no frequency). This variant has not been reported in the literature in individuals affected with MAT2A-related conditions. ClinVar contains an entry for this variant (Variation ID: 1400086). An algorithm developed to predict the effect of missense changes on protein structure and function (PolyPhen-2) suggests that this variant is likely to be tolerated. In summary, the available evidence is currently insufficient to determine the role of this variant in disease. Therefore, it has been classified as a Variant of Uncertain Significance.